The following is an entry in ClinVar:

NM_003737.4(DCHS1):c.5555C>T (p.Ala1852Val)

Gene: DCHS1 (dachsous cadherin-related 1; minus strand). Cytogenetic location: 11p15.4.
Variant type: single nucleotide variant.
Coding change: c.5555C>T on transcript NM_003737.4 (MANE Select); coding-DNA position 5555, C replaced by T.
Protein change: p.Ala1852Val; replaces alanine 1852 with valine.
Molecular consequence: missense variant.
Genome position (GRCh38, 1-based): chr11:6,627,484, G>A on the plus strand (C>T on the coding strand, the complement: DCHS1 is on the minus strand). VCF-style: chr11-6627484-G-A. GRCh37 (hg19) VCF-style: chr11-6648715-G-A.
Other names: short protein forms A1852V.
Identifiers: ClinVar variation 1715805 (VCV001715805.5), dbSNP rs2493819464, ClinGen allele CA379394266.

ClinVar aggregate classification (germline): Uncertain significance (1 of 4 stars; one submission).

Submission:

Labcorp Genetics (formerly Invitae), Labcorp
Classification: Uncertain significance. Last evaluated: 2022-08-20. Review status: criteria provided, single submitter. Criteria: Invitae Variant Classification Sherloc (09022015). Collection method: clinical testing. Allele origin: germline.
Comment: In summary, the available evidence is currently insufficient to determine the role of this variant in disease. Therefore, it has been classified as a Variant of Uncertain Significance. Advanced modeling of protein sequence and biophysical properties (such as structural, functional, and spatial information, amino acid conservation, physicochemical variation, residue mobility, and thermodynamic stability) performed at Invitae indicates that this missense variant is not expected to disrupt DCHS1 protein function. This variant has not been reported in the literature in individuals affected with DCHS1-related conditions. This variant is not present in population databases (gnomAD no frequency). This sequence change replaces alanine, which is neutral and non-polar, with valine, which is neutral and non-polar, at codon 1852 of the DCHS1 protein (p.Ala1852Val).